The following is an entry in ClinVar:

ClinVar aggregate classification (germline): Uncertain significance (1 of 4 stars; one submission).

Conditions:
Rhabdoid tumor predisposition syndrome 2 (RTPS2). Identifiers: Orphanet 231108, Orphanet 69077, MedGen C2750074, MONDO:0013224, OMIM 613325.

Allele frequency attached by ClinVar (database versions not stated): ExAC 0.00001.
gnomAD v4.1: 1 of 1,600,894 alleles (0.000062%); highest among the groups gnomAD compares: Non-Finnish European, 0.000085%; no homozygotes.

Submission:

Labcorp Genetics (formerly Invitae), Labcorp
Classification: Uncertain significance for Rhabdoid tumor predisposition syndrome 2. Last evaluated: 2018-03-17. Review status: criteria provided, single submitter. Criteria: Invitae Variant Classification Sherloc (09022015). Collection method: clinical testing. Allele origin: germline.
Comment: In summary, the available evidence is currently insufficient to determine the role of this variant in disease. Therefore, it has been classified as a Variant of Uncertain Significance. Algorithms developed to predict the effect of missense changes on protein structure and function do not agree on the potential impact of this missense change (SIFT: "Tolerated"; PolyPhen-2: "Possibly Damaging"; Align-GVGD: "Class C0"). This variant has not been reported in the literature in individuals with SMARCA4-related disease. The frequency data for this variant in the population databases is considered unreliable, as metrics indicate poor data quality at this position in the ExAC database. This sequence change replaces glycine with tryptophan at codon 1407 of the SMARCA4 protein (p.Gly1407Trp). The glycine residue is weakly conserved and there is a large physicochemical difference between glycine and tryptophan.

NM_001387283.1(SMARCA4):c.4219G>T (p.Gly1407Trp)

Gene: SMARCA4 (SWI/SNF related BAF chromatin remodeling complex subunit ATPase 4; plus strand). Cytogenetic location: 19p13.2.
Variant type: single nucleotide variant.
Coding change: c.4219G>T on transcript NM_001387283.1 (MANE Plus Clinical); coding-DNA position 4219, G replaced by T.
Protein change: p.Gly1407Trp; replaces glycine 1407 with tryptophan.
Molecular consequence: missense variant. On other transcripts: intron variant (7).
Genome position (GRCh38, 1-based): chr19:11,039,506, G>T. VCF-style: chr19-11039506-G-T. GRCh37 (hg19) VCF-style: chr19-11150182-G-T.
Other names: c.4219G>T, p.Gly1407Trp (NM_001128849.3); c.4171-1801G>T (NM_001128844.3, NM_003072.5); c.4072-1801G>T (NM_001128847.4, NM_001374457.1, NM_001128848.2); c.4072-1792G>T (NM_001128845.2, NM_001128846.2); short protein forms G1407W.
Identifiers: ClinVar variation 576502 (VCV000576502.8), dbSNP rs751103947, ClinGen allele CA9204634.